The following is an entry in ClinVar:

NM_199420.4(POLQ):c.6136G>A (p.Ala2046Thr)

Gene: POLQ (DNA polymerase theta; minus strand). Cytogenetic location: 3q13.33.
Variant type: single nucleotide variant.
Coding change: c.6136G>A on transcript NM_199420.4 (MANE Select); coding-DNA position 6136, G replaced by A.
Protein change: p.Ala2046Thr; replaces alanine 2046 with threonine.
Molecular consequence: missense variant.
Genome position (GRCh38, 1-based): chr3:121,481,647, C>T on the plus strand (G>A on the coding strand, the complement: POLQ is on the minus strand). VCF-style: chr3-121481647-C-T. GRCh37 (hg19) VCF-style: chr3-121200494-C-T.
Other names: short protein forms A2046T.
Identifiers: ClinVar variation 2497169 (VCV002497169.2), dbSNP rs780342607, ClinGen allele CA354087753.

ClinVar aggregate classification (germline): Uncertain significance (1 of 4 stars; one submission).

gnomAD v4.1: 2 of 1,613,878 alleles (0.00012%); highest among the groups gnomAD compares: Non-Finnish European, 0.00017%; no homozygotes.

Submission:

Ambry Genetics
Classification: Uncertain significance. Last evaluated: 2023-01-08. Review status: criteria provided, single submitter. Criteria: Ambry Variant Classification Scheme 2023. Collection method: clinical testing. Allele origin: germline.
Comment: The p.A2046T variant (also known as c.6136G>A), located in coding exon 19 of the POLQ gene, results from a G to A substitution at nucleotide position 6136. The alanine at codon 2046 is replaced by threonine, an amino acid with similar properties. This amino acid position is conserved. In addition, the in silico prediction for this alteration is inconclusive. Since supporting evidence is limited at this time, the clinical significance of this alteration remains unclear.